The following is an entry in ClinVar:

ClinVar aggregate classification (germline): Pathogenic/Likely pathogenic. Review status: criteria provided, multiple submitters, no conflicts (2 of 4 stars). 2 submissions from 2 submitters: Pathogenic (1); Likely pathogenic (1). Last evaluated 2026-06-24.

Conditions:
Cystic fibrosis (CF). Also called: MUCOVISCIDOSIS. Identifiers: Orphanet 586, MedGen C0010674, MONDO:0009061, OMIM 219700. Disease mechanism: loss of function.
CFTR-related disorder (CFTR-RD). Also called: CFTR-related disorders; CFTR-related condition. Identifiers: MedGen C5924204, MONDO:7770004.

Submissions (2):

Women's Health and Genetics/Laboratory Corporation of America, LabCorp
Classification: Pathogenic for Cystic fibrosis. Last evaluated: 2026-06-24. Review status: criteria provided, single submitter. Criteria: LabCorp Variant Classification Summary - May 2015. Collection method: clinical testing. Allele origin: germline.
Comment: Variant summary: CFTR c.1327_1328delGA (p.Asp443TyrfsX2) results in a premature termination codon, predicted to cause a truncation of the encoded protein or absence of the protein due to nonsense mediated decay, which are commonly known mechanisms for disease. The variant was absent in 242172 control chromosomes. c.1327_1328delGA has been observed in at least one individual affected with cystic fibrosis (example: Alper_2004). To our knowledge, no experimental evidence demonstrating an impact on protein function has been reported. The following publication has been ascertained in the context of this evaluation (PMID: 15365999). ClinVar contains an entry for this variant (Variation ID: 4818465). Based on the evidence outlined above, the variant was classified as pathogenic.

Natera, Inc.
Classification: Likely pathogenic for CFTR-related disorders. Last evaluated: 2024-08-26. Review status: criteria provided, single submitter. Criteria: Natera Variant Classification Schema (03/2026). Collection method: clinical testing. Allele origin: germline.
Comment: The c.1327_1328del variant in CFTR is a frameshift variant predicted to shift the reading frame beginning at codon 443 and leads to a stop codon 2 codons downstream. This variant is expected to result in nonsense mediated decay, truncation, or a dysfunctional protein product. This variant is rare in the general population with a frequency below the threshold expected for the associated phenotype(s). Given the available evidence, this variant is classified as Likely Pathogenic.

Literature cited by the submitters: PubMed 15365999 (cited by Women's Health and Genetics/Laboratory Corporation of America, LabCorp).

NM_000492.4(CFTR):c.1327_1328del (p.Asp443fs)

Genes: CFTR (CF transmembrane conductance regulator; plus strand), CFTR-AS1 (CFTR antisense RNA 1; minus strand). Cytogenetic location: 7q31.2.
Variant type: Deletion.
Coding change: c.1327_1328del on transcript NM_000492.4 (MANE Select); coding-DNA positions 1327 to 1328, 2 bases deleted (GA; older notation c.1327_1328delGA).
Protein change: p.Asp443fs; shifts the reading frame from aspartic acid 443.
Molecular consequence: frameshift variant.
Genome position (GRCh38, 1-based): chr7:117,548,758-117,548,759, GA deleted; deleting any 2 consecutive bases within chr7:117,548,757-117,548,759 gives the same sequence; the c. name uses the placement nearest the transcript's 3' end. VCF-style (leftmost placement, unchanged base first): chr7-117548756-AAG-A. GRCh37 (hg19) VCF-style: chr7-117188810-AAG-A.
Other names: c.1327_1328delGA (NM_000492.4); c.1327_1328delGA, p.Asp443Tyrfs (NM_000492.3); short protein forms D443fs.
Identifiers: ClinVar variation 4818465 (VCV004818465.2).